The following is an entry in ClinVar:

ClinVar aggregate classification (germline): Uncertain significance (1 of 4 stars; one submission).

Conditions:
Developmental and epileptic encephalopathy 94 (DEE94). Also called: Epileptic encephalopathy, childhood-onset; CHD2-Related Neurodevelopmental Disorders. Identifiers: Orphanet 1942, Orphanet 2382, MedGen C3809278, MONDO:0014150, OMIM 615369.

Submission:

Labcorp Genetics (formerly Invitae), Labcorp
Classification: Uncertain significance for Developmental and epileptic encephalopathy 94. Last evaluated: 2025-04-01. Review status: criteria provided, single submitter. Criteria: Invitae Variant Classification Sherloc (09022015). Collection method: clinical testing. Allele origin: germline.
Comment: This sequence change replaces valine, which is neutral and non-polar, with alanine, which is neutral and non-polar, at codon 921 of the CHD2 protein (p.Val921Ala). This variant is not present in population databases (gnomAD no frequency). This variant has not been reported in the literature in individuals affected with CHD2-related conditions. Invitae Evidence Modeling of protein sequence and biophysical properties (such as structural, functional, and spatial information, amino acid conservation, physicochemical variation, residue mobility, and thermodynamic stability) indicates that this missense variant is not expected to disrupt CHD2 protein function with a negative predictive value of 95%. In summary, the available evidence is currently insufficient to determine the role of this variant in disease. Therefore, it has been classified as a Variant of Uncertain Significance.

NM_001271.4(CHD2):c.2762T>C (p.Val921Ala)

Gene: CHD2 (chromodomain helicase DNA binding protein 2; plus strand). Cytogenetic location: 15q26.1.
Variant type: single nucleotide variant.
Coding change: c.2762T>C on transcript NM_001271.4 (MANE Select); coding-DNA position 2762, T replaced by C.
Protein change: p.Val921Ala; replaces valine 921 with alanine.
Molecular consequence: missense variant.
Genome position (GRCh38, 1-based): chr15:92,979,169, T>C. VCF-style: chr15-92979169-T-C. GRCh37 (hg19) VCF-style: chr15-93522399-T-C.
Other names: short protein forms V921A.
Identifiers: ClinVar variation 4802439 (VCV004802439.1).